The following is an entry in ClinVar:

ClinVar aggregate classification (germline): Uncertain significance (1 of 4 stars; one submission).

Submission:

Ambry Genetics
Classification: Uncertain significance. Last evaluated: 2025-11-17. Review status: criteria provided, single submitter. Criteria: Ambry Variant Classification Scheme 2023. Collection method: clinical testing. Allele origin: germline.
Comment: The p.E167Q variant (also known as c.499G>C), located in coding exon 3 of the ATRIP gene, results from a G to C substitution at nucleotide position 499. The glutamic acid at codon 167 is replaced by glutamine, an amino acid with highly similar properties. This amino acid position is conserved. In addition, the in silico prediction for this alteration is inconclusive. Based on the available evidence, the clinical significance of this variant remains unclear.

NM_130384.3(ATRIP):c.499G>C (p.Glu167Gln)

Genes: ATRIP (ATR interacting protein; plus strand), ATRIP-TREX1 (ATRIP-TREX1 readthrough; plus strand). Cytogenetic location: 3p21.31.
Variant type: single nucleotide variant.
Coding change: c.499G>C on transcript NM_130384.3 (MANE Select); coding-DNA position 499, G replaced by C.
Protein change: p.Glu167Gln; replaces glutamic acid 167 with glutamine.
Molecular consequence: missense variant. On other transcripts: non-coding transcript variant (1).
Genome position (GRCh38, 1-based): chr3:48,451,846, G>C. VCF-style: chr3-48451846-G-C. GRCh37 (hg19) VCF-style: chr3-48493252-G-C.
Other names: c.118G>C, p.Glu40Gln (NM_001271022.2); c.220G>C, p.Glu74Gln (NM_001271023.2); c.499G>C, p.Glu167Gln (NM_032166.4); short protein forms E167Q, E40Q, E74Q.
Identifiers: ClinVar variation 4644591 (VCV004644591.1).
Genomic context (GRCh38, chr3:48,451,846, plus strand): 5'-GACTCACTACATCAGACGGAATCCGTTCTAGAGGAACAGAGAAGATCACATTTTCTTCTT[G>C]AGCAAGAGAAAACCCAAGCACTCAGTGACAAGGAAAAGGAATTCTCCAAAAAGGTGACCC-3'
Protein context (NP_569055.1, residues 157-177): EEQRRSHFLL[Glu167Gln]QEKTQALSDK